The following is an entry in ClinVar:

NM_021076.4(NEFH):c.138C>T (p.Gly46=)

Gene: NEFH (neurofilament heavy chain; plus strand). Cytogenetic location: 22q12.2.
Variant type: single nucleotide variant.
Coding change: c.138C>T on transcript NM_021076.4 (MANE Select); coding-DNA position 138, C replaced by T.
Protein change: p.Gly46=; no amino-acid change (glycine 46 retained).
Molecular consequence: synonymous variant.
Genome position (GRCh38, 1-based): chr22:29,480,400, C>T. VCF-style: chr22-29480400-C-T. GRCh37 (hg19) VCF-style: chr22-29876389-C-T.
Other names: c.138C>T (NM_021076.3).
Identifiers: ClinVar variation 2990276 (VCV002990276.5), dbSNP rs997760544, ClinGen allele CA323082788.
Genomic context (GRCh38, chr22:29,480,400, plus strand): 5'-CGCGCTAGCCCGAAAGGGTGGCGCAGGCGGGACGCGCTCCGCCGCTGGCTCCTCCAGCGG[C>T]TTCCACTCGTGGACACGGACGTCCGTGAGCTCCGTGTCCGCCTCGCCCAGCCGCTTCCGT-3'
Protein context (NP_066554.2, residues 36-56): GTRSAAGSSS[Gly46=]FHSWTRTSVS

ClinVar aggregate classification (germline): Likely benign. Review status: criteria provided, single submitter (1 of 4 stars). 2 submissions from 2 submitters: Likely benign (1). 1 of the submissions does not count toward it. Last evaluated 2024-12-03.

Conditions:
NEFH-related disorder. Also called: NEFH-related condition.

Allele frequency attached by ClinVar (database versions not stated): gnomAD 0.00001; gnomAD exomes 0.00004.

Submissions (2):

Labcorp Genetics (formerly Invitae), Labcorp
Classification: Likely benign. Last evaluated: 2024-12-03. Review status: criteria provided, single submitter. Criteria: Invitae Variant Classification Sherloc (09022015). Collection method: clinical testing. Allele origin: germline.

PreventionGenetics, part of Exact Sciences
Classification: Likely benign for NEFH-related condition. Last evaluated: 2023-02-28. Review status: no assertion criteria provided. Collection method: clinical testing. Allele origin: germline. Not counted in ClinVar's aggregate classification.
Comment: This variant is classified as likely benign based on ACMG/AMP sequence variant interpretation guidelines (Richards et al. 2015 PMID: 25741868, with internal and published modifications).